The following is an entry in ClinVar:

ClinVar aggregate classification (germline): Uncertain significance. Review status: criteria provided, multiple submitters, no conflicts (2 of 4 stars). 2 submissions from 2 submitters: Uncertain significance (2). Last evaluated 2025-06-18.

Conditions:
Inborn genetic diseases. Identifiers: MedGen C0950123, MeSH D030342.
Developmental and epileptic encephalopathy, 12 (DEE12). Identifiers: MedGen C3150988, MONDO:0013389, OMIM 613722.

Allele frequency attached by ClinVar (database versions not stated): TOPMed below 0.00001.
gnomAD v4.1: 5 of 1,610,874 alleles (0.00031%); highest among the groups gnomAD compares: Admixed American, 0.0034%; no homozygotes.

Submissions (2):

Ambry Genetics
Classification: Uncertain significance for Inborn genetic diseases. Last evaluated: 2025-06-18. Review status: criteria provided, single submitter. Criteria: Ambry Variant Classification Scheme 2023. Collection method: clinical testing. Allele origin: germline.

Labcorp Genetics (formerly Invitae), Labcorp
Classification: Uncertain significance for Developmental and epileptic encephalopathy, 12. Last evaluated: 2022-02-04. Review status: criteria provided, single submitter. Criteria: Invitae Variant Classification Sherloc (09022015). Collection method: clinical testing. Allele origin: germline.
Comment: This sequence change replaces serine, which is neutral and polar, with phenylalanine, which is neutral and non-polar, at codon 357 of the PNKP protein (p.Ser357Phe). This variant is present in population databases (no rsID available, gnomAD 0.007%). This variant has not been reported in the literature in individuals affected with PNKP-related conditions. ClinVar contains an entry for this variant (Variation ID: 1018649). Algorithms developed to predict the effect of missense changes on protein structure and function are either unavailable or do not agree on the potential impact of this missense change (SIFT: "Deleterious"; PolyPhen-2: "Benign"; Align-GVGD: "Class C25"). In summary, the available evidence is currently insufficient to determine the role of this variant in disease. Therefore, it has been classified as a Variant of Uncertain Significance.

NM_007254.4(PNKP):c.1070C>T (p.Ser357Phe)

Gene: PNKP (polynucleotide kinase 3'-phosphatase; minus strand). Cytogenetic location: 19q13.33.
Variant type: single nucleotide variant.
Coding change: c.1070C>T on transcript NM_007254.4 (MANE Select); coding-DNA position 1070, C replaced by T.
Protein change: p.Ser357Phe; replaces serine 357 with phenylalanine.
Molecular consequence: missense variant.
Genome position (GRCh38, 1-based): chr19:49,862,241, G>A on the plus strand (C>T on the coding strand, the complement: PNKP is on the minus strand). VCF-style: chr19-49862241-G-A. GRCh37 (hg19) VCF-style: chr19-50365498-G-A.
Other names: c.1070C>T (NM_007254.3); short protein forms S357F.
Identifiers: ClinVar variation 1018649 (VCV001018649.7), dbSNP rs1359253510, ClinGen allele CA406879914.